The following is an entry in ClinVar:

ClinVar aggregate classification (germline): Pathogenic (1 of 4 stars; one submission).

Conditions:
Congenital lactic acidosis, Saguenay-Lac-Saint-Jean type (MC4DN5). Also called: CYTOCHROME c OXIDASE DEFICIENCY, FRENCH CANADIAN TYPE; COX DEFICIENCY, FRENCH CANADIAN TYPE; MITOCHONDRIAL COMPLEX IV DEFICIENCY, NUCLEAR TYPE 5. Identifiers: Orphanet 70472, MedGen C1857355, MONDO:0009069, OMIM 220111.

Submission:

Myriad Genetics, Inc.
Classification: Pathogenic for Congenital lactic acidosis, Saguenay-Lac-Saint-Jean type. Last evaluated: 2026-04-10. Review status: criteria provided, single submitter. Criteria: Myriad Autosomal Dominant, Autosomal Recessive and X-Linked Classification Criteria (2023). Collection method: clinical testing. Allele origin: unknown.
Comment: NM_133259.3(LRPPRC):c.3688_3689dupTT(L1230Ffs*9) is expected to be pathogenic in the context of Leigh syndrome, French-Canadian type. This variant is predicted to lead to an abnormal or absent protein product due to the creation of a premature termination codon in LRPPRC, a gene where loss-of-function variants are known to be pathogenic. Please note: this variant was assessed in the context of healthy population screening.

NM_133259.4(LRPPRC):c.3688_3689dup (p.Leu1230fs)

Gene: LRPPRC (leucine rich pentatricopeptide repeat containing; minus strand). Cytogenetic location: 2p21.
Variant type: Duplication.
Coding change: c.3688_3689dup on transcript NM_133259.4 (MANE Select); coding-DNA positions 3688 to 3689, 2 bases duplicated (TT; older notation c.3688_3689dupTT).
Protein change: p.Leu1230fs; shifts the reading frame from leucine 1230.
Molecular consequence: frameshift variant.
Genome position (GRCh38, 1-based): chr2:43,899,486-43,899,487, AA duplicated on the plus strand (TT on the coding strand, the reverse complement: LRPPRC is on the minus strand). VCF-style (leftmost placement, unchanged base first): chr2-43899485-C-CAA. GRCh37 (hg19) VCF-style: chr2-44126624-C-CAA.
Other names: short protein forms L1230fs.
Identifiers: ClinVar variation 5015781 (VCV005015781.1).